The following is an entry in ClinVar:

NM_001282680.3(GAPVD1):c.1757T>C (p.Val586Ala)

Gene: GAPVD1 (GTPase activating protein and VPS9 domains 1; plus strand). Cytogenetic location: 9q33.3.
Variant type: single nucleotide variant.
Coding change: c.1757T>C on transcript NM_001282680.3 (MANE Select); coding-DNA position 1757, T replaced by C.
Protein change: p.Val586Ala; replaces valine 586 with alanine.
Molecular consequence: missense variant. On other transcripts: non-coding transcript variant (2).
Genome position (GRCh38, 1-based): chr9:125,323,822, T>C. VCF-style: chr9-125323822-T-C. GRCh37 (hg19) VCF-style: chr9-128086101-T-C.
Other names: c.1757T>C, p.Val586Ala (NM_001282679.2, NM_001330778.3, NM_001354294.2 and 6 more transcripts); c.1694T>C, p.Val565Ala (NM_001282681.3, NM_001330777.3, NM_001354297.2 and 1 more transcripts); short protein forms V565A, V586A.
Identifiers: ClinVar variation 3039020 (VCV003039020.2), dbSNP rs41305471, ClinGen allele CA5240270.

ClinVar aggregate classification (germline): Likely benign (0 of 4 stars; one submission).

Conditions:
GAPVD1-related disorder. Also called: GAPVD1-related condition.

Allele frequency attached by ClinVar (database versions not stated): 1000 Genomes Project 0.00020; 1000 Genomes Project 30x 0.00062; ExAC 0.00188; TOPMed 0.00190; gnomAD 0.00209; ESP Exome Variant Server 0.00300; gnomAD exomes 0.00386.
gnomAD v4.1: 5,844 of 1,613,532 alleles (0.36%); highest among the groups gnomAD compares: Non-Finnish European, 0.48%; 20 homozygotes.

Submission:

PreventionGenetics, part of Exact Sciences
Classification: Likely benign for GAPVD1-related condition. Last evaluated: 2021-06-04. Review status: no assertion criteria provided. Collection method: clinical testing. Allele origin: germline.
Comment: This variant is classified as likely benign based on ACMG/AMP sequence variant interpretation guidelines (Richards et al. 2015 PMID: 25741868, with internal and published modifications).